The following is an entry in ClinVar:

NM_016529.6(ATP8A2):c.2169G>A (p.Ser723=)

Gene: ATP8A2 (ATPase phospholipid transporting 8A2). Cytogenetic location: 13q12.13.
Variant type: single nucleotide variant.
Coding change: c.2169G>A on transcript NM_016529.6 (MANE Select); coding-DNA position 2169, G replaced by A.
Protein change: p.Ser723=; no amino-acid change (serine 723 retained).
Molecular consequence: synonymous variant.
Genome position (GRCh38, 1-based): chr13:25,589,657, G>A. VCF-style: chr13-25589657-G-A. GRCh37 (hg19) VCF-style: chr13-26163795-G-A.
Other names: c.2049G>A, p.Ser683= (NM_001313741.1); c.2169G>A (NM_016529.5).
Identifiers: ClinVar variation 994318 (VCV000994318.49), dbSNP rs41300574, ClinGen allele CA6923214.

ClinVar aggregate classification (germline): Benign/Likely benign. Review status: criteria provided, multiple submitters, no conflicts (2 of 4 stars). 5 submissions from 5 submitters: Benign (1); Likely benign (3). 1 of the submissions does not count toward it. Last evaluated 2026-08-01.

Conditions:
Cerebellar ataxia, impaired intellectual development, and dysequilibrium syndrome 4. Also called: CEREBELLAR ATAXIA AND MENTAL RETARDATION WITH OR WITHOUT QUADRUPEDAL LOCOMOTION 4; Cerebellar ataxia, mental retardation, and dysequilibrium syndrome 4; Cerebellar ataxia, intellectual disability, and dysequilibrium syndrome 4. Identifiers: Orphanet 1766, MedGen C3808977, MONDO:0014104, OMIM 615268.
ATP8A2-related disorder. Also called: ATP8A2-related condition.

Allele frequency attached by ClinVar (database versions not stated): ExAC 0.00040; 1000 Genomes Project 30x 0.00062; gnomAD exomes 0.00047; 1000 Genomes Project 0.00040; ESP Exome Variant Server 0.00126; TOPMed 0.00127.
gnomAD v4.1: 1,201 of 1,611,698 alleles (0.075%); highest among the groups gnomAD compares: African/African-American, 0.18%; 1 homozygote.

Submissions (5):

CeGaT Center for Human Genetics Tuebingen
Classification: Likely benign. Last evaluated: 2026-08-01. Review status: criteria provided, single submitter. Criteria: CeGaT Center For Human Genetics Tuebingen Variant Classification Criteria Version 2. Collection method: clinical testing. Allele origin: germline. Affected: yes. Observed: 4 variant alleles.
Comment: ATP8A2: BP4, BP7

Labcorp Genetics (formerly Invitae), Labcorp
Classification: Benign. Last evaluated: 2025-11-14. Review status: criteria provided, single submitter. Criteria: Invitae Variant Classification Sherloc (09022015). Collection method: clinical testing. Allele origin: germline.

Blueprint Genetics
Classification: Likely benign. Last evaluated: 2024-10-18. Review status: criteria provided, single submitter. Criteria: ACMG Guidelines, 2015. Collection method: clinical testing. Allele origin: germline.

ARUP Laboratories, Molecular Genetics and Genomics, ARUP Laboratories
Classification: Likely benign for Cerebellar ataxia, impaired intellectual development, and dysequilibrium syndrome 4. Last evaluated: 2020-03-06. Review status: criteria provided, single submitter. Criteria: ARUP Molecular Germline Variant Investigation Process. Collection method: clinical testing. Allele origin: germline.

PreventionGenetics, part of Exact Sciences
Classification: Likely benign for ATP8A2-related condition. Last evaluated: 2019-05-02. Review status: no assertion criteria provided. Collection method: clinical testing. Allele origin: germline. Not counted in ClinVar's aggregate classification.
Comment: This variant is classified as likely benign based on ACMG/AMP sequence variant interpretation guidelines (Richards et al. 2015 PMID: 25741868, with internal and published modifications).